The following is an entry in ClinVar:

ClinVar aggregate classification (germline): Likely pathogenic (1 of 4 stars; one submission).

Conditions:
Primary ciliary dyskinesia. Also called: Ciliary dyskinesia. Identifiers: Orphanet 244, MedGen C0008780, MONDO:0016575, HP:0012265.

Allele frequency attached by ClinVar (database versions not stated): gnomAD exomes below 0.00001.

Submission:

Labcorp Genetics (formerly Invitae), Labcorp
Classification: Likely pathogenic for Primary ciliary dyskinesia. Last evaluated: 2023-10-28. Review status: criteria provided, single submitter. Criteria: Invitae Variant Classification Sherloc (09022015). Collection method: clinical testing. Allele origin: germline.
Comment: This sequence change affects an acceptor splice site in intron 12 of the DNAH11 gene. It is expected to disrupt RNA splicing. Variants that disrupt the donor or acceptor splice site typically lead to a loss of protein function (PMID: 16199547), and loss-of-function variants in DNAH11 are known to be pathogenic (PMID: 18022865, 20513915, 22184204). This variant is not present in population databases (gnomAD no frequency). This variant has not been reported in the literature in individuals affected with DNAH11-related conditions. Algorithms developed to predict the effect of sequence changes on RNA splicing suggest that this variant may disrupt the consensus splice site. In summary, the currently available evidence indicates that the variant is pathogenic, but additional data are needed to prove that conclusively. Therefore, this variant has been classified as Likely Pathogenic.

Literature cited by the submitters: PubMed 16199547; PubMed 18022865; PubMed 20513915; PubMed 22184204.

NM_001277115.2(DNAH11):c.2170-1G>C

Gene: DNAH11 (dynein axonemal heavy chain 11; plus strand). Cytogenetic location: 7p15.3.
Variant type: single nucleotide variant.
Coding change: c.2170-1G>C on transcript NM_001277115.2 (MANE Select); the canonical splice acceptor site of the intron before coding-DNA position 2170, G replaced by C.
Molecular consequence: splice acceptor variant.
Genome position (GRCh38, 1-based): chr7:21,590,917, G>C. VCF-style: chr7-21590917-G-C. GRCh37 (hg19) VCF-style: chr7-21630535-G-C.
Identifiers: ClinVar variation 2772388 (VCV002772388.3), dbSNP rs2534596060, ClinGen allele CA366941780.